The following is an entry in ClinVar:

NM_033641.4(COL4A6):c.616C>T (p.Pro206Ser)

Gene: COL4A6 (collagen type IV alpha 6 chain; minus strand). Cytogenetic location: Xq22.3.
Variant type: single nucleotide variant.
Coding change: c.616C>T on transcript NM_033641.4 (MANE Select); coding-DNA position 616, C replaced by T.
Protein change: p.Pro206Ser; replaces proline 206 with serine.
Molecular consequence: missense variant.
Genome position (GRCh38, 1-based): chrX:108,205,689, G>A on the plus strand (C>T on the coding strand, the complement: COL4A6 is on the minus strand). VCF-style: chrX-108205689-G-A. GRCh37 (hg19) VCF-style: chrX-107448919-G-A.
Other names: c.616C>T, p.Pro206Ser (NM_001287758.2, NM_001287759.2, NM_001287760.2); c.619C>T, p.Pro207Ser (NM_001847.4); short protein forms P206S, P207S.
Identifiers: ClinVar variation 3389207 (VCV003389207.14).

ClinVar aggregate classification (germline): Likely benign (1 of 4 stars; one submission).

gnomAD v4.1: 57 of 1,203,103 alleles (0.0047%); highest among the groups gnomAD compares: Non-Finnish European, 0.0062%; no homozygotes.

Submission:

CeGaT Center for Human Genetics Tuebingen
Classification: Likely benign. Last evaluated: 2024-11-01. Review status: criteria provided, single submitter. Criteria: CeGaT Center For Human Genetics Tuebingen Variant Classification Criteria Version 2. Collection method: clinical testing. Allele origin: germline. Affected: yes. Observed: 1 variant allele.
Comment: COL4A6: BS2